The following is an entry in ClinVar:

NM_002778.4(PSAP):c.375+1G>T

Gene: PSAP (prosaposin; minus strand). Cytogenetic location: 10q22.1.
Variant type: single nucleotide variant.
Coding change: c.375+1G>T on transcript NM_002778.4 (MANE Select); the canonical splice donor site of the intron after coding-DNA position 375, G replaced by T.
Molecular consequence: splice donor variant.
Genome position (GRCh38, 1-based): chr10:71,831,125, C>A on the plus strand (G>T on the coding strand, the complement: PSAP is on the minus strand). VCF-style: chr10-71831125-C-A. GRCh37 (hg19) VCF-style: chr10-73590882-C-A.
Other names: c.375+1G>T (NM_001042466.3, NM_001042465.3).
Identifiers: ClinVar variation 1471743 (VCV001471743.10), dbSNP rs2133047947, ClinGen allele CA377153382.
Genomic context (GRCh38, chr10:71,831,125, plus strand): 5'-CCACTGCCTCTCCTGGGCCCCAGAAGCACCTTCAAGGAAAAGCCTATTCCCCATCACTTA[C>A]CATTTCTCCTTTAATGATGTCCAGGATGACAGGGAGGTAGGAGTCCACTATCTCCTTGCA-3'

ClinVar aggregate classification (germline): Likely pathogenic. Review status: criteria provided, multiple submitters, no conflicts (2 of 4 stars). 2 submissions from 2 submitters: Likely pathogenic (2). Last evaluated 2026-03-03.

Conditions:
Sphingolipid activator protein 1 deficiency. Also called: METACHROMATIC LEUKODYSTROPHY DUE TO CEREBROSIDE SULFATASE ACTIVATOR DEFICIENCY; Metachromatic leukodystrophy due to saposin B deficiency; Saposin B Deficiency. Identifiers: Orphanet 512, MedGen C0268262, MONDO:0009590, OMIM 249900.
Metachromatic leukodystrophy (MLD). Also called: ARSA DEFICIENCY; CEREBROSIDE SULFATASE DEFICIENCY; METACHROMATIC LEUKOENCEPHALOPATHY; SULFATIDE LIPIDOSIS; Cerebral sclerosis diffuse metachromatic form; Arylsulfatase A Deficiency. Identifiers: Orphanet 512, MedGen C0023522, MONDO:0018868, OMIM 250100.

Allele frequency attached by ClinVar (database versions not stated): gnomAD exomes below 0.00001.
gnomAD v4.1: 5 of 1,614,046 alleles (0.00031%); highest among the groups gnomAD compares: Non-Finnish European, 0.00034%; no homozygotes.

Submissions (3):

Women's Health and Genetics/Laboratory Corporation of America, LabCorp
Classification: Likely pathogenic for Metachromatic leukodystrophy. Last evaluated: 2026-03-03. Review status: criteria provided, single submitter. Criteria: LabCorp Variant Classification Summary - May 2015. Collection method: clinical testing. Allele origin: germline.
Comment: Variant summary: PSAP c.375+1G>T is located in a canonical splice-site and is predicted to affect mRNA splicing resulting in a significantly altered protein due to either exon skipping, shortening, or inclusion of intronic material. Variants that disrupt the consensus splice site are a relatively common cause of aberrant splicing and loss of PSAP function. Several computational tools predict a significant impact on normal splicing: Four predict the variant abolishes a canonical 5' splicing donor site. However, these predictions have yet to be confirmed by functional studies. The variant was absent in 251482 control chromosomes (gnomAD). c.375+1G>T has been observed in an individual affected with Metachromatic Leukodystrophy (Nair_2024). These data indicate that the variant may be associated with disease. To our knowledge, no experimental evidence demonstrating an impact on protein function has been reported. The following publication has been ascertained in the context of this evaluation (PMID: 38277958). ClinVar contains an entry for this variant (Variation ID: 1471743). Based on the evidence outlined above, the variant was classified as likely pathogenic.

Labcorp Genetics (formerly Invitae), Labcorp
Classification: Likely pathogenic for Sphingolipid activator protein 1 deficiency. Last evaluated: 2023-02-04. Review status: criteria provided, single submitter. Criteria: Invitae Variant Classification Sherloc (09022015). Collection method: clinical testing. Allele origin: germline.
Comment: ClinVar contains an entry for this variant (Variation ID: 1471743). This sequence change affects a donor splice site in intron 4 of the PSAP gene. It is expected to disrupt RNA splicing. Variants that disrupt the donor or acceptor splice site typically lead to a loss of protein function (PMID: 16199547), and loss-of-function variants in PSAP are known to be pathogenic (PMID: 8554069, 11309366, 17616409, 19267410, 30632081). This variant is not present in population databases (gnomAD no frequency). This variant has not been reported in the literature in individuals affected with PSAP-related conditions. Algorithms developed to predict the effect of sequence changes on RNA splicing suggest that this variant may disrupt the consensus splice site. In summary, the currently available evidence indicates that the variant is pathogenic, but additional data are needed to prove that conclusively. Therefore, this variant has been classified as Likely Pathogenic.

Dr. Peter K. Rogan Lab, Western University
No classification provided (evidence only). Condition: Melanoma. Review status: no classification provided. Collection method: in vitro. Allele origin: not applicable. Functional consequence: skipped exon, retained intron. Not counted in ClinVar's aggregate classification.

Literature cited by the submitters: PubMed 38277958 (cited by Women's Health and Genetics/Laboratory Corporation of America, LabCorp); PubMed 16199547 (cited by Labcorp Genetics (formerly Invitae), Labcorp); PubMed 8554069 (cited by Labcorp Genetics (formerly Invitae), Labcorp); PubMed 11309366 (cited by Labcorp Genetics (formerly Invitae), Labcorp); PubMed 17616409 (cited by Labcorp Genetics (formerly Invitae), Labcorp); PubMed 19267410 (cited by Labcorp Genetics (formerly Invitae), Labcorp); PubMed 30632081 (cited by Labcorp Genetics (formerly Invitae), Labcorp).